The following is an entry in ClinVar:

ClinVar aggregate classification (germline): Uncertain significance (1 of 4 stars; one submission).

Allele frequency attached by ClinVar (database versions not stated): ExAC 0.00002; gnomAD 0.00002 and 0.00003; gnomAD exomes 0.00002; TOPMed 0.00005.
gnomAD v4.1: 10 of 1,613,616 alleles (0.00062%); highest among the groups gnomAD compares: African/African-American, 0.011%; no homozygotes.

Submission:

Labcorp Genetics (formerly Invitae), Labcorp
Classification: Uncertain significance. Last evaluated: 2025-07-13. Review status: criteria provided, single submitter. Criteria: Invitae Variant Classification Sherloc (09022015). Collection method: clinical testing. Allele origin: germline.
Comment: This sequence change replaces lysine, which is basic and polar, with arginine, which is basic and polar, at codon 1491 of the SCN3A protein (p.Lys1491Arg). This variant is present in population databases (rs768888254, gnomAD 0.03%). This missense change has been observed in individual(s) with clinical features of early infantile epileptic encephalopathy (internal data). ClinVar contains an entry for this variant (Variation ID: 855695). Invitae Evidence Modeling of protein sequence and biophysical properties (such as structural, functional, and spatial information, amino acid conservation, physicochemical variation, residue mobility, and thermodynamic stability) has been performed for this missense variant. However, the output from this modeling did not meet the statistical confidence thresholds required to predict the impact of this variant on SCN3A protein function. In summary, the available evidence is currently insufficient to determine the role of this variant in disease. Therefore, it has been classified as a Variant of Uncertain Significance.

NM_006922.4(SCN3A):c.4472A>G (p.Lys1491Arg)

Gene: SCN3A (sodium voltage-gated channel alpha subunit 3; minus strand). Cytogenetic location: 2q24.3.
Variant type: single nucleotide variant.
Coding change: c.4472A>G on transcript NM_006922.4 (MANE Select); coding-DNA position 4472, A replaced by G.
Protein change: p.Lys1491Arg; replaces lysine 1491 with arginine.
Molecular consequence: missense variant.
Genome position (GRCh38, 1-based): chr2:165,094,438, T>C on the plus strand (A>G on the coding strand, the complement: SCN3A is on the minus strand). VCF-style: chr2-165094438-T-C. GRCh37 (hg19) VCF-style: chr2-165950948-T-C.
Other names: c.4325A>G, p.Lys1442Arg (NM_001081676.2, NM_001081677.2); short protein forms K1442R, K1491R.
Identifiers: ClinVar variation 855695 (VCV000855695.7), dbSNP rs768888254, ClinGen allele CA1938558.
Genomic context (GRCh38, chr2:165,094,438, plus strand): 5'-GGGCGAGGTATGGGTTTCTGAGGTTTCTTGGATCCAAGTTTCTTCATTGCATTGTAATAT[T>C]TTTTCTGTTCCTCTGTCATAAAGATGTCTTGACCTCCAAAGTAAAGACATAGTATAAAAC-3'
Protein context (NP_008853.3, residues 1481-1501): QDIFMTEEQK[Lys1491Arg]YYNAMKKLGS